The following is an entry in ClinVar:

NM_014915.3(ANKRD26):c.2914T>C (p.Ser972Pro)

Gene: ANKRD26 (ankyrin repeat domain containing 26; minus strand). Cytogenetic location: 10p12.1.
Variant type: single nucleotide variant.
Coding change: c.2914T>C on transcript NM_014915.3 (MANE Select); coding-DNA position 2914, T replaced by C.
Protein change: p.Ser972Pro; replaces serine 972 with proline.
Molecular consequence: missense variant.
Genome position (GRCh38, 1-based): chr10:27,035,536, A>G on the plus strand (T>C on the coding strand, the complement: ANKRD26 is on the minus strand). VCF-style: chr10-27035536-A-G. GRCh37 (hg19) VCF-style: chr10-27324465-A-G.
Other names: c.2911T>C, p.Ser971Pro (NM_001256053.2); short protein forms S971P, S972P.
Identifiers: ClinVar variation 3871232 (VCV003871232.1).
Genomic context (GRCh38, chr10:27,035,536, plus strand): 5'-GTTTAGAATTTAGCATTGCATTCTCAGCTGTCAGAACACTAAGCCGTCCATTATACTGGG[A>G]TATTGTTTGTGTTAATGTTTCCTCATTCTGTTTTATAGTCTTCTGAAGGTCTTCATTCTT-3'
Protein context (NP_055730.2, residues 962-982): QNEETLTQTI[Ser972Pro]QYNGRLSVLT

ClinVar aggregate classification (germline): Uncertain significance (1 of 4 stars; one submission).

Conditions:
Inborn genetic diseases. Identifiers: MedGen C0950123, MeSH D030342.

Submission:

Ambry Genetics
Classification: Uncertain significance for Inborn genetic diseases. Last evaluated: 2025-02-12. Review status: criteria provided, single submitter. Criteria: Ambry Variant Classification Scheme 2023. Collection method: clinical testing. Allele origin: germline.
Comment: The p.S972P variant (also known as c.2914T>C), located in coding exon 24 of the ANKRD26 gene, results from a T to C substitution at nucleotide position 2914. The serine at codon 972 is replaced by proline, an amino acid with similar properties. This amino acid position is conserved. In addition, this alteration is predicted to be tolerated by in silico analysis. Based on the available evidence, the clinical significance of this variant remains unclear.